The following is an entry in ClinVar:

ClinVar aggregate classification (germline): Uncertain significance (1 of 4 stars; one submission).

Conditions:
Methylcobalamin deficiency type cblG (HMAG). Also called: HOMOCYSTINURIA-MEGALOBLASTIC ANEMIA DUE TO DEFECT IN COBALAMIN METABOLISM, cblG COMPLEMENTATION TYPE; Functional methionine synthase deficiency type cblG; HOMOCYSTINURIA-MEGALOBLASTIC ANEMIA, cblG TYPE; HOMOCYSTINURIA-MEGALOBLASTIC ANEMIA, cblG COMPLEMENTATION TYPE. Identifiers: Orphanet 2170, Orphanet 622, MedGen C1855128, MONDO:0009609, OMIM 250940.

Allele frequency attached by ClinVar (database versions not stated): gnomAD 0.00001; ExAC 0.00002; TOPMed 0.00002; gnomAD exomes 0.00003 and 0.00004.
gnomAD v4.1: 47 of 1,614,104 alleles (0.0029%); highest among the groups gnomAD compares: Admixed American, 0.017%; no homozygotes.

Submission:

Labcorp Genetics (formerly Invitae), Labcorp
Classification: Uncertain significance for Methylcobalamin deficiency type cblG. Last evaluated: 2022-05-12. Review status: criteria provided, single submitter. Criteria: Invitae Variant Classification Sherloc (09022015). Collection method: clinical testing. Allele origin: germline.
Comment: This sequence change replaces isoleucine, which is neutral and non-polar, with valine, which is neutral and non-polar, at codon 196 of the MTR protein (p.Ile196Val). This variant is present in population databases (rs776426879, gnomAD 0.02%). This variant has not been reported in the literature in individuals affected with MTR-related conditions. ClinVar contains an entry for this variant (Variation ID: 863558). Algorithms developed to predict the effect of missense changes on protein structure and function (SIFT, PolyPhen-2, Align-GVGD) all suggest that this variant is likely to be tolerated. In summary, the available evidence is currently insufficient to determine the role of this variant in disease. Therefore, it has been classified as a Variant of Uncertain Significance.

NM_000254.3(MTR):c.586A>G (p.Ile196Val)

Gene: MTR (5-methyltetrahydrofolate-homocysteine methyltransferase; plus strand). Cytogenetic location: 1q43.
Variant type: single nucleotide variant.
Coding change: c.586A>G on transcript NM_000254.3 (MANE Select); coding-DNA position 586, A replaced by G.
Protein change: p.Ile196Val; replaces isoleucine 196 with valine.
Molecular consequence: missense variant. On other transcripts: 5 prime UTR variant (1).
Genome position (GRCh38, 1-based): chr1:236,812,821, A>G. VCF-style: chr1-236812821-A-G. GRCh37 (hg19) VCF-style: chr1-236976121-A-G.
Other names: c.586A>G, p.Ile196Val (NM_001291939.1); c.-523A>G (NM_001291940.2); short protein forms I196V.
Identifiers: ClinVar variation 863558 (VCV000863558.7), dbSNP rs776426879, ClinGen allele CA1473776.